The following is an entry in ClinVar:

GRCh38/hg38 Xq21.1(chrX:77914709-78039013)x0

Genes: ATP7A (ATPase copper transporting alpha; plus strand), PGAM4 (phosphoglycerate mutase family member 4; minus strand). Cytogenetic location: Xq21.1.
Variant type: copy number loss.
Change: copy number 0 of chrX:77,914,709-78,039,013 (124.3 kb, GRCh38 coordinates, 1-based), cytogenetic band Xq21.1.
Identifiers: ClinVar variation 57013 (VCV000057013.1).

ClinVar aggregate classification (germline): Pathogenic (1 of 4 stars; one submission).

Submission:

ISCA site 4
Classification: Pathogenic. Last evaluated: 2011-08-12. Review status: criteria provided, single submitter. Criteria: Kaminsky et al. (Genet Med. 2011). Collection method: clinical testing. Allele origin: de novo. Affected: yes. Observed: 1 variant allele.
Comment: Copy number variation identified through the course of routine clinical cytogenomic testing in postnatal populations. Clinical assertions have been curated as described in Kaminsky et al. 2011.